The following is an entry in ClinVar:

NM_024312.5(GNPTAB):c.636+4T>C

Gene: GNPTAB (N-acetylglucosamine-1-phosphate transferase subunits alpha and beta; minus strand). Cytogenetic location: 12q23.2.
Variant type: single nucleotide variant.
Coding change: c.636+4T>C on transcript NM_024312.5 (MANE Select); 4 bases into the intron after coding-DNA position 636, T replaced by C.
Molecular consequence: intron variant.
Genome position (GRCh38, 1-based): chr12:101,780,553, A>G on the plus strand (T>C on the coding strand, the complement: GNPTAB is on the minus strand). VCF-style: chr12-101780553-A-G. GRCh37 (hg19) VCF-style: chr12-102174331-A-G.
Identifiers: ClinVar variation 1044226 (VCV001044226.2), dbSNP rs1306693913, ClinGen allele CA607155269.

ClinVar aggregate classification (germline): Uncertain significance (1 of 4 stars; one submission).

Conditions:
Mucolipidosis type II. Also called: Mucolipidosis 2; ML 2; Inclusion cell disease; Leroy Disease; N-acetylglucosamine 1phosphotransferase deficiency; ML disorder type 2. Identifiers: Orphanet 576, MedGen C2673377, MONDO:0009650, OMIM 252500.
Pseudo-Hurler polydystrophy. Also called: ML IIIA; Mucolipidosis III Alpha/Beta; MUCOLIPIDOSIS IIIA; ML III; ML III ALPHA/BETA; Type III Mucolipidosis. Identifiers: Orphanet 423461, Orphanet 577, MedGen C0033788, MONDO:0018931, OMIM 252600.

Allele frequency attached by ClinVar (database versions not stated): TOPMed 0.00001; gnomAD exomes below 0.00001.
gnomAD v4.1: 2 of 1,596,650 alleles (0.00013%); highest among the groups gnomAD compares: Admixed American, 0.0017%; no homozygotes.

Submission:

Labcorp Genetics (formerly Invitae), Labcorp
Classification: Uncertain significance for Pseudo-Hurler polydystrophy; Mucolipidosis type II. Last evaluated: 2020-11-12. Review status: criteria provided, single submitter. Criteria: Invitae Variant Classification Sherloc (09022015). Collection method: clinical testing. Allele origin: germline.
Comment: This sequence change falls in intron 6 of the GNPTAB gene. It does not directly change the encoded amino acid sequence of the GNPTAB protein, but it affects a nucleotide within the consensus splice site of the intron. This variant is not present in population databases (ExAC no frequency). This variant has not been reported in the literature in individuals with GNPTAB-related conditions. Nucleotide substitutions within the consensus splice site are a relatively common cause of aberrant splicing (PMID: 17576681, 9536098). Algorithms developed to predict the effect of sequence changes on RNA splicing suggest that this variant is not likely to affect RNA splicing, but this prediction has not been confirmed by published transcriptional studies. In summary, the available evidence is currently insufficient to determine the role of this variant in disease. Therefore, it has been classified as a Variant of Uncertain Significance.

Literature cited by the submitters: PubMed 17576681; PubMed 9536098.